The following is an entry in ClinVar:

ClinVar aggregate classification (germline): Uncertain significance. Review status: criteria provided, multiple submitters, no conflicts (2 of 4 stars). 2 submissions from 2 submitters: Uncertain significance (2). Last evaluated 2025-11-01.

Conditions:
Inborn genetic diseases. Identifiers: MedGen C0950123, MeSH D030342.
Brachyolmia-amelogenesis imperfecta syndrome. Also called: PLATYSPONDYLY WITH AMELOGENESIS IMPERFECTA; Tooth agenesis, selective, 6; Dental anomalies and short stature. Identifiers: Orphanet 2899, MedGen C1832594, MONDO:0011018, OMIM 601216. Disease mechanism: loss of function.

Allele frequency attached by ClinVar (database versions not stated): gnomAD exomes below 0.00001.

Submissions (2):

Labcorp Genetics (formerly Invitae), Labcorp
Classification: Uncertain significance for Brachyolmia-amelogenesis imperfecta syndrome. Last evaluated: 2025-11-01. Review status: criteria provided, single submitter. Criteria: Invitae Variant Classification Sherloc (09022015). Collection method: clinical testing. Allele origin: germline.
Comment: This sequence change replaces proline, which is neutral and non-polar, with leucine, which is neutral and non-polar, at codon 201 of the LTBP3 protein (p.Pro201Leu). This variant is not present in population databases (gnomAD no frequency). This variant has not been reported in the literature in individuals affected with LTBP3-related conditions. ClinVar contains an entry for this variant (Variation ID: 3233185). An algorithm developed to predict the effect of missense changes on protein structure and function (PolyPhen-2) suggests that this variant is likely to be disruptive. In summary, the available evidence is currently insufficient to determine the role of this variant in disease. Therefore, it has been classified as a Variant of Uncertain Significance.

Ambry Genetics
Classification: Uncertain significance for Inborn genetic diseases. Last evaluated: 2024-02-16. Review status: criteria provided, single submitter. Criteria: Ambry Variant Classification Scheme 2023. Collection method: clinical testing. Allele origin: germline.
Comment: The p.P201L variant (also known as c.602C>T), located in coding exon 2 of the LTBP3 gene, results from a C to T substitution at nucleotide position 602. The proline at codon 201 is replaced by leucine, an amino acid with similar properties. This amino acid position is conserved. In addition, the in silico prediction for this alteration is inconclusive. Based on the available evidence, the clinical significance of this alteration remains unclear.

NM_001130144.3(LTBP3):c.602C>T (p.Pro201Leu)

Gene: LTBP3 (latent transforming growth factor beta binding protein 3; minus strand). Cytogenetic location: 11q13.1.
Variant type: single nucleotide variant.
Coding change: c.602C>T on transcript NM_001130144.3 (MANE Select); coding-DNA position 602, C replaced by T.
Protein change: p.Pro201Leu; replaces proline 201 with leucine.
Molecular consequence: missense variant.
Genome position (GRCh38, 1-based): chr11:65,554,110, G>A on the plus strand (C>T on the coding strand, the complement: LTBP3 is on the minus strand). VCF-style: chr11-65554110-G-A. GRCh37 (hg19) VCF-style: chr11-65321581-G-A.
Other names: c.251C>T, p.Pro84Leu (NM_001164266.1); c.602C>T, p.Pro201Leu (NM_021070.4); short protein forms P201L, P84L.
Identifiers: ClinVar variation 3233185 (VCV003233185.2), dbSNP rs1856719478, ClinGen allele CA381276291.